The following is an entry in ClinVar:

NM_004006.3(DMD):c.1389G>A (p.Trp463Ter)

Gene: DMD (dystrophin; minus strand). Cytogenetic location: Xp21.1.
Variant type: single nucleotide variant.
Coding change: c.1389G>A on transcript NM_004006.3 (MANE Select); coding-DNA position 1389, G replaced by A.
Protein change: p.Trp463Ter; replaces tryptophan 463 with a stop codon.
Molecular consequence: nonsense.
Genome position (GRCh38, 1-based): chrX:32,614,396, C>T on the plus strand (G>A on the coding strand, the complement: DMD is on the minus strand). VCF-style: chrX-32614396-C-T. GRCh37 (hg19) VCF-style: chrX-32632513-C-T.
Other names: c.1365G>A, p.Trp455Ter (NM_000109.4); c.1377G>A, p.Trp459Ter (NM_004009.3); c.1020G>A, p.Trp340Ter (NM_004010.3); c.1389G>A (NM_004006.2); short protein forms W459*, W340*, W455*, W463*.
Identifiers: ClinVar variation 1390017 (VCV001390017.10), dbSNP rs2149350132, ClinGen allele CA412670117.

ClinVar aggregate classification (germline): Pathogenic. Review status: criteria provided, multiple submitters, no conflicts (2 of 4 stars). 2 submissions from 2 submitters: Pathogenic (2). Last evaluated 2024-01-01.

Conditions:
Duchenne muscular dystrophy (DMD). Also called: MUSCULAR DYSTROPHY, PSEUDOHYPERTROPHIC PROGRESSIVE, DUCHENNE TYPE; Duchenne Muscular Dystrophy (DMD). Identifiers: Orphanet 98896, MedGen C0013264, MONDO:0010679, OMIM 310200.

Submissions (2):

Labcorp Genetics (formerly Invitae), Labcorp
Classification: Pathogenic for Duchenne muscular dystrophy. Last evaluated: 2024-01-01. Review status: criteria provided, single submitter. Criteria: Invitae Variant Classification Sherloc (09022015). Collection method: clinical testing. Allele origin: germline.
Comment: This sequence change creates a premature translational stop signal (p.Trp463*) in the DMD gene. It is expected to result in an absent or disrupted protein product. Loss-of-function variants in DMD are known to be pathogenic (PMID: 16770791, 25007885). This variant is not present in population databases (gnomAD no frequency). This premature translational stop signal has been observed in individual(s) with Duchenne muscular dystrophy (PMID: 31443951). ClinVar contains an entry for this variant (Variation ID: 1390017). For these reasons, this variant has been classified as Pathogenic.

Revvity Omics, Revvity
Classification: Pathogenic. Last evaluated: 2023-12-29. Review status: criteria provided, single submitter. Criteria: ACMG Guidelines, 2015. Collection method: clinical testing. Allele origin: germline.

Literature cited by the submitters: PubMed 16770791 (cited by Labcorp Genetics (formerly Invitae), Labcorp); PubMed 25007885 (cited by Labcorp Genetics (formerly Invitae), Labcorp); PubMed 31443951 (cited by Labcorp Genetics (formerly Invitae), Labcorp).